The following is an entry in ClinVar:

ClinVar aggregate classification (germline): Uncertain significance (1 of 4 stars; one submission).

Submission:

GeneDx
Classification: Uncertain significance. Last evaluated: 2021-02-02. Review status: criteria provided, single submitter. Criteria: GeneDx Variant Classification Process June 2021. Collection method: clinical testing. Allele origin: germline. Affected: yes.
Comment: Nonsense variant predicted to result in protein truncation in a gene for which loss-of-function is not a known mechanism of disease; Not observed in large population cohorts (Lek et al., 2016); Has not been previously published as pathogenic or benign to our knowledge

NM_001377229.1(DISP1):c.2477G>A (p.Trp826Ter)

Gene: DISP1 (dispatched RND transporter family member 1; plus strand). Cytogenetic location: 1q41.
Variant type: single nucleotide variant.
Coding change: c.2477G>A on transcript NM_001377229.1 (MANE Select); coding-DNA position 2477, G replaced by A.
Protein change: p.Trp826Ter; replaces tryptophan 826 with a stop codon.
Molecular consequence: nonsense.
Genome position (GRCh38, 1-based): chr1:223,003,874, G>A. VCF-style: chr1-223003874-G-A. GRCh37 (hg19) VCF-style: chr1-223177216-G-A.
Other names: c.1748G>A, p.Trp583Ter (NM_001350630.2); c.2477G>A, p.Trp826Ter (NM_001369594.1, NM_001377228.1, NM_032890.5); short protein forms W583*, W826*.
Identifiers: ClinVar variation 1200790 (VCV001200790.3), dbSNP rs2102802508, ClinGen allele CA344681788.